The following is an entry in ClinVar:

ClinVar aggregate classification (germline): Uncertain significance (1 of 4 stars; one submission).

Allele frequency attached by ClinVar (database versions not stated): gnomAD exomes below 0.00001; gnomAD 0.00001; TOPMed 0.00002.
gnomAD v4.1: 6 of 1,613,934 alleles (0.00037%); highest among the groups gnomAD compares: Non-Finnish European, 0.00051%; no homozygotes.

Submission:

GeneDx
Classification: Uncertain significance. Last evaluated: 2020-12-03. Review status: criteria provided, single submitter. Criteria: GeneDx Variant Classification Process June 2021. Collection method: clinical testing. Allele origin: germline. Affected: yes.
Comment: Not observed at a significant frequency in large population cohorts (Lek et al., 2016); In silico analysis, which includes protein predictors and evolutionary conservation, supports a deleterious effect; Has not been previously published as pathogenic or benign to our knowledge

NM_003172.4(SURF1):c.209C>G (p.Pro70Arg)

Gene: SURF1 (SURF1 cytochrome c oxidase assembly factor; minus strand). Cytogenetic location: 9q34.2.
Variant type: single nucleotide variant.
Coding change: c.209C>G on transcript NM_003172.4 (MANE Select); coding-DNA position 209, C replaced by G.
Protein change: p.Pro70Arg; replaces proline 70 with arginine.
Molecular consequence: missense variant. On other transcripts: 5 prime UTR variant (1).
Genome position (GRCh38, 1-based): chr9:133,354,855, G>C on the plus strand (C>G on the coding strand, the complement: SURF1 is on the minus strand). VCF-style: chr9-133354855-G-C. GRCh37 (hg19) VCF-style: chr9-136221710-G-C.
Other names: c.-119C>G (NM_001280787.1); short protein forms P70R.
Identifiers: ClinVar variation 1316059 (VCV001316059.2), dbSNP rs781953110, ClinGen allele CA200833488.
Genomic context (GRCh38, chr9:133,354,855, plus strand): 5'-AGTTACGCACACCAGATGCCGGTCTTTACCTGCCATGTCCCCAAGCCAAAGGCAGTCACA[G>C]GGATGAGGAGCAGGACCCACTGAAGAAAGGAGTCATCTTCCGCTTTTGTGGCAGATGCTT-3'
Protein context (NP_003163.1, residues 60-80): SFLQWVLLLI[Pro70Arg]VTAFGLGTWQ